The following is an entry in ClinVar:

NM_020812.4(DOCK6):c.45-2A>G

Gene: DOCK6 (dedicator of cytokinesis 6; minus strand). Cytogenetic location: 19p13.2.
Variant type: single nucleotide variant.
Coding change: c.45-2A>G on transcript NM_020812.4 (MANE Select); the canonical splice acceptor site of the intron before coding-DNA position 45, A replaced by G.
Molecular consequence: splice acceptor variant.
Genome position (GRCh38, 1-based): chr19:11,253,728, T>C on the plus strand (A>G on the coding strand, the complement: DOCK6 is on the minus strand). VCF-style: chr19-11253728-T-C. GRCh37 (hg19) VCF-style: chr19-11364404-T-C.
Other names: c.45-2A>G (NM_001367830.1).
Identifiers: ClinVar variation 5005921 (VCV005005921.2).

ClinVar aggregate classification (germline): Likely pathogenic (1 of 4 stars; one submission).

Conditions:
Adams-Oliver syndrome 2 (AOS2). Identifiers: Orphanet 974, MedGen C3280182, MONDO:0013635, OMIM 614219.

Submission:

Juno Genomics, Hangzhou Juno Genomics, Inc
Classification: Likely pathogenic for Adams-Oliver syndrome 2. Review status: criteria provided, single submitter. Criteria: ACMG Guidelines, 2015. Collection method: clinical testing. Allele origin: germline.
Comment: Null variant in a gene where loss of function (LOF) is a known mechanism of disease.;Absent from controls (or at extremely low frequency if recessive) in Genome Aggregation Database.